The following is an entry in ClinVar:

NM_006767.4(LZTR1):c.2423C>G (p.Thr808Ser)

Gene: LZTR1 (leucine zipper like post translational regulator 1; plus strand). Cytogenetic location: 22q11.21.
Variant type: single nucleotide variant.
Coding change: c.2423C>G on transcript NM_006767.4 (MANE Select); coding-DNA position 2423, C replaced by G.
Protein change: p.Thr808Ser; replaces threonine 808 with serine.
Molecular consequence: missense variant.
Genome position (GRCh38, 1-based): chr22:20,997,248, C>G. VCF-style: chr22-20997248-C-G. GRCh37 (hg19) VCF-style: chr22-21351537-C-G.
Other names: short protein forms T808S.
Identifiers: ClinVar variation 1791044 (VCV001791044.2), dbSNP rs1041569569, ClinGen allele CA410781537.

ClinVar aggregate classification (germline): Uncertain significance (1 of 4 stars; one submission).

Conditions:
Hereditary cancer-predisposing syndrome. Also called: Hereditary Cancer Syndrome; Hereditary neoplastic syndrome; Tumor predisposition; Neoplastic Syndromes, Hereditary. Identifiers: Orphanet 140162, MedGen C0027672, MeSH D009386, MONDO:0015356.
Cardiovascular phenotype. Identifiers: MedGen CN230736.

Submission:

Ambry Genetics
Classification: Uncertain significance for Cardiovascular phenotype; Hereditary cancer-predisposing syndrome. Last evaluated: 2022-10-03. Review status: criteria provided, single submitter. Criteria: Ambry Variant Classification Scheme 2023. Collection method: clinical testing. Allele origin: germline.
Comment: The p.T808S variant (also known as c.2423C>G), located in coding exon 21 of the LZTR1 gene, results from a C to G substitution at nucleotide position 2423. The threonine at codon 808 is replaced by serine, an amino acid with similar properties. This amino acid position is conserved. In addition, this alteration is predicted to be tolerated by in silico analysis. Since supporting evidence is limited at this time, the clinical significance of this alteration remains unclear.